The following is an entry in ClinVar:

ClinVar aggregate classification (germline): Uncertain significance. Review status: criteria provided, multiple submitters, no conflicts (2 of 4 stars). 2 submissions from 2 submitters: Uncertain significance (2). Last evaluated 2024-07-01.

Conditions:
Hypertrophic cardiomyopathy. Also called: HYPERTROPHIC MYOCARDIOPATHY. Identifiers: Orphanet 217569, MedGen C0007194, MeSH D002312, MONDO:0005045, HP:0001639.
Cardiovascular phenotype. Identifiers: MedGen CN230736.

Allele frequency attached by ClinVar (database versions not stated): gnomAD exomes below 0.00001.

Submissions (2):

Labcorp Genetics (formerly Invitae), Labcorp
Classification: Uncertain significance for Hypertrophic cardiomyopathy. Last evaluated: 2024-07-01. Review status: criteria provided, single submitter. Criteria: Invitae Variant Classification Sherloc (09022015). Collection method: clinical testing. Allele origin: germline.
Comment: This sequence change replaces lysine, which is basic and polar, with asparagine, which is neutral and polar, at codon 1457 of the MYH7 protein (p.Lys1457Asn). This variant is not present in population databases (gnomAD no frequency). This variant has not been reported in the literature in individuals affected with MYH7-related conditions. ClinVar contains an entry for this variant (Variation ID: 1007108). Advanced modeling of protein sequence and biophysical properties (such as structural, functional, and spatial information, amino acid conservation, physicochemical variation, residue mobility, and thermodynamic stability) performed at Invitae indicates that this missense variant is expected to disrupt MYH7 protein function with a positive predictive value of 95%. In summary, the available evidence is currently insufficient to determine the role of this variant in disease. Therefore, it has been classified as a Variant of Uncertain Significance.

Ambry Genetics
Classification: Uncertain significance for Cardiovascular phenotype. Last evaluated: 2022-09-29. Review status: criteria provided, single submitter. Criteria: Ambry Variant Classification Scheme 2023. Collection method: clinical testing. Allele origin: germline.
Comment: The p.K1457N variant (also known as c.4371G>C), located in coding exon 30 of the MYH7 gene, results from a G to C substitution at nucleotide position 4371. The lysine at codon 1457 is replaced by asparagine, an amino acid with similar properties. This amino acid position is highly conserved in available vertebrate species. In addition, the in silico prediction for this alteration is inconclusive. Since supporting evidence is limited at this time, the clinical significance of this alteration remains unclear.

NM_000257.4(MYH7):c.4371G>C (p.Lys1457Asn)

Genes: MHRT (myosin heavy chain associated RNA transcript; plus strand), MYH7 (myosin heavy chain 7; minus strand). Cytogenetic location: 14q11.2.
Variant type: single nucleotide variant.
Coding change: c.4371G>C on transcript NM_000257.4 (MANE Select); coding-DNA position 4371, G replaced by C.
Protein change: p.Lys1457Asn; replaces lysine 1457 with asparagine.
Molecular consequence: missense variant. On other transcripts: non-coding transcript variant (1).
Genome position (GRCh38, 1-based): chr14:23,417,301, C>G on the plus strand (G>C on the coding strand, the complement: MYH7 is on the minus strand). VCF-style: chr14-23417301-C-G. GRCh37 (hg19) VCF-style: chr14-23886510-C-G.
Other names: short protein forms K1457N.
Identifiers: ClinVar variation 1007108 (VCV001007108.9), dbSNP rs1555336697, ClinGen allele CA389038856.